The following is an entry in ClinVar:

NM_001010874.5(TECRL):c.128C>T (p.Ala43Val)

Gene: TECRL (trans-2,3-enoyl-CoA reductase like; minus strand). Cytogenetic location: 4q13.1.
Variant type: single nucleotide variant.
Coding change: c.128C>T on transcript NM_001010874.5 (MANE Select); coding-DNA position 128, C replaced by T.
Protein change: p.Ala43Val; replaces alanine 43 with valine.
Molecular consequence: missense variant.
Genome position (GRCh38, 1-based): chr4:64,409,224, G>A on the plus strand (C>T on the coding strand, the complement: TECRL is on the minus strand). VCF-style: chr4-64409224-G-A. GRCh37 (hg19) VCF-style: chr4-65274942-G-A.
Other names: c.128C>T, p.Ala43Val (NM_001363796.1); short protein forms A43V.
Identifiers: ClinVar variation 3966922 (VCV003966922.1).

ClinVar aggregate classification (germline): Uncertain significance (1 of 4 stars; one submission).

Conditions:
Cardiovascular phenotype. Identifiers: MedGen CN230736.

gnomAD v4.1: 6 of 1,607,580 alleles (0.00037%); highest among the groups gnomAD compares: Middle Eastern, 0.1%; 1 homozygote.

Submission:

Ambry Genetics
Classification: Uncertain significance for Cardiovascular phenotype. Last evaluated: 2025-05-14. Review status: criteria provided, single submitter. Criteria: Ambry Variant Classification Scheme 2023. Collection method: clinical testing. Allele origin: germline.
Comment: The p.A43V variant (also known as c.128C>T), located in coding exon 1 of the TECRL gene, results from a C to T substitution at nucleotide position 128. The alanine at codon 43 is replaced by valine, an amino acid with similar properties. This amino acid position is conserved. In addition, this alteration is predicted to be tolerated by in silico analysis. Based on the available evidence, the clinical significance of this variant remains unclear.